The following is an entry in ClinVar:

ClinVar aggregate classification (germline): Uncertain significance (1 of 4 stars; one submission).

Conditions:
Familial intrahepatic cholestasis. Identifiers: Orphanet 284385, MedGen CN296401, MONDO:0017290.

Submission:

Genomenon, Inc
Classification: Uncertain significance for Familial intrahepatic cholestasis. Last evaluated: 2026-04-14. Review status: criteria provided, single submitter. Criteria: Genomenon Sequence Variant Interpretation Standards - Updated. Collection method: curation. Allele origin: germline. Affected: yes.
Comment: ABCB11 p.Ile182Lys (c.545T>A) is a missense variant that changes the amino acid at residue 182 from Isoleucine to Lysine. This variant has been observed in at least one proband with an ABCB11-related disorder (PMID:20232290). It is absent or not present at a significant frequency in gnomAD. In silico models predict that this variant is possibly or probably damaging. In conclusion, we classify ABCB11 p.Ile182Lys (c.545T>A) as a variant of uncertain significance.

Literature cited by the submitters: PubMed 20232290.

NM_003742.4(ABCB11):c.545T>A (p.Ile182Lys)

Gene: ABCB11 (ATP binding cassette subfamily B member 11; minus strand). Cytogenetic location: 2q31.1.
Variant type: single nucleotide variant.
Coding change: c.545T>A on transcript NM_003742.4 (MANE Select); coding-DNA position 545, T replaced by A.
Protein change: p.Ile182Lys; replaces isoleucine 182 with lysine.
Molecular consequence: missense variant.
Genome position (GRCh38, 1-based): chr2:168,995,415, A>T on the plus strand (T>A on the coding strand, the complement: ABCB11 is on the minus strand). VCF-style: chr2-168995415-A-T. GRCh37 (hg19) VCF-style: chr2-169851925-A-T.
Other names: short protein forms I182K.
Identifiers: ClinVar variation 4846048 (VCV004846048.1).